The following is an entry in ClinVar:

NM_032043.3(BRIP1):c.2676T>C (p.Leu892=)

Gene: BRIP1 (BRCA1 interacting DNA helicase 1; minus strand). Cytogenetic location: 17q23.2.
Variant type: single nucleotide variant.
Coding change: c.2676T>C on transcript NM_032043.3 (MANE Select); coding-DNA position 2676, T replaced by C.
Protein change: p.Leu892=; no amino-acid change (leucine 892 retained).
Molecular consequence: synonymous variant.
Genome position (GRCh38, 1-based): chr17:61,686,065, A>G on the plus strand (T>C on the coding strand, the complement: BRIP1 is on the minus strand). VCF-style: chr17-61686065-A-G. GRCh37 (hg19) VCF-style: chr17-59763426-A-G.
Identifiers: ClinVar variation 1107350 (VCV001107350.13), dbSNP rs2144115485, ClinGen allele CA501335829.

ClinVar aggregate classification (germline): Benign/Likely benign. Review status: criteria provided, multiple submitters, no conflicts (2 of 4 stars). 4 submissions from 4 submitters: Benign (1); Likely benign (3). Last evaluated 2025-11-05.

Conditions:
Familial cancer of breast. Also called: Hereditary breast cancer; hereditary breast carcinoma; BREAST CANCER, FAMILIAL. Identifiers: Orphanet 227535, MedGen C0346153, MONDO:0016419, OMIM 114480. Disease mechanism: loss of function.
Fanconi anemia complementation group J. Also called: BRIP1-Related Fanconi Anemia. Identifiers: Orphanet 84, MedGen C1836860, MONDO:0012187, OMIM 609054.
Hereditary cancer-predisposing syndrome. Also called: Hereditary neoplastic syndrome; Tumor predisposition; Neoplastic Syndromes, Hereditary; Hereditary Cancer Syndrome. Identifiers: Orphanet 140162, MedGen C0027672, MeSH D009386, MONDO:0015356.

Submissions (4):

Labcorp Genetics (formerly Invitae), Labcorp
Classification: Likely benign for Familial cancer of breast; Fanconi anemia complementation group J. Last evaluated: 2025-11-05. Review status: criteria provided, single submitter. Criteria: Invitae Variant Classification Sherloc (09022015). Collection method: clinical testing. Allele origin: germline.

Myriad Genetics, Inc.
Classification: Benign for Familial cancer of breast. Last evaluated: 2024-09-05. Review status: criteria provided, single submitter. Criteria: Myriad Autosomal Dominant, Autosomal Recessive and X-Linked Classification Criteria (2023). Collection method: clinical testing. Allele origin: unknown.
Comment: This variant is considered benign. This variant is a silent/synonymous amino acid change and it is not expected to impact splicing.

Sema4
Classification: Likely benign for Hereditary cancer-predisposing syndrome. Last evaluated: 2021-07-26. Review status: criteria provided, single submitter. Criteria: Sema4 Curation Guidelines. Collection method: curation. Allele origin: germline.

Ambry Genetics
Classification: Likely benign for Hereditary cancer-predisposing syndrome. Last evaluated: 2021-05-11. Review status: criteria provided, single submitter. Criteria: Ambry Variant Classification Scheme 2023. Collection method: clinical testing. Allele origin: germline.